The following is an entry in ClinVar:

ClinVar aggregate classification (germline): Uncertain significance (1 of 4 stars; one submission).

Submission:

Ambry Genetics
Classification: Uncertain significance. Last evaluated: 2024-03-24. Review status: criteria provided, single submitter. Criteria: Ambry Variant Classification Scheme 2023. Collection method: clinical testing. Allele origin: germline.
Comment: The p.Q2116R variant (also known as c.6347A>G), located in coding exon 20 of the POLQ gene, results from an A to G substitution at nucleotide position 6347. The glutamine at codon 2116 is replaced by arginine, an amino acid with highly similar properties. This amino acid position is conserved. In addition, this alteration is predicted to be tolerated by in silico analysis. Based on the available evidence, the clinical significance of this alteration remains unclear.

NM_199420.4(POLQ):c.6347A>G (p.Gln2116Arg)

Gene: POLQ (DNA polymerase theta; minus strand). Cytogenetic location: 3q13.33.
Variant type: single nucleotide variant.
Coding change: c.6347A>G on transcript NM_199420.4 (MANE Select); coding-DNA position 6347, A replaced by G.
Protein change: p.Gln2116Arg; replaces glutamine 2116 with arginine.
Molecular consequence: missense variant.
Genome position (GRCh38, 1-based): chr3:121,476,598, T>C on the plus strand (A>G on the coding strand, the complement: POLQ is on the minus strand). VCF-style: chr3-121476598-T-C. GRCh37 (hg19) VCF-style: chr3-121195445-T-C.
Other names: short protein forms Q2116R.
Identifiers: ClinVar variation 3308604 (VCV003308604.1).